The following is an entry in ClinVar:

NM_153676.4(USH1C):c.2540A>G (p.Asp847Gly)

Gene: USH1C (USH1 protein network component harmonin; minus strand). Cytogenetic location: 11p15.1.
Variant type: single nucleotide variant.
Coding change: c.2540A>G on transcript NM_153676.4 (MANE Select); coding-DNA position 2540, A replaced by G.
Protein change: p.Asp847Gly; replaces aspartic acid 847 with glycine.
Molecular consequence: missense variant. On other transcripts: non-coding transcript variant (1).
Genome position (GRCh38, 1-based): chr11:17,496,764, T>C on the plus strand (A>G on the coding strand, the complement: USH1C is on the minus strand). VCF-style: chr11-17496764-T-C. GRCh37 (hg19) VCF-style: chr11-17518311-T-C.
Other names: c.1583A>G, p.Asp528Gly (NM_001297764.2); c.1640A>G, p.Asp547Gly (NM_005709.4); short protein forms D528G, D847G, D547G.
Identifiers: ClinVar variation 2192422 (VCV002192422.1), dbSNP rs776066773, ClinGen allele CA5904117.

ClinVar aggregate classification (germline): Uncertain significance (1 of 4 stars; one submission).

Allele frequency attached by ClinVar (database versions not stated): gnomAD exomes below 0.00001; gnomAD 0.00001; ExAC 0.00002; TOPMed 0.00002.
gnomAD v4.1: 8 of 1,614,076 alleles (0.0005%); highest among the groups gnomAD compares: African/African-American, 0.0053%; no homozygotes.

Submission:

Labcorp Genetics (formerly Invitae), Labcorp
Classification: Uncertain significance. Last evaluated: 2022-02-28. Review status: criteria provided, single submitter. Criteria: Invitae Variant Classification Sherloc (09022015). Collection method: clinical testing. Allele origin: germline.
Comment: This sequence change replaces aspartic acid, which is acidic and polar, with glycine, which is neutral and non-polar, at codon 547 of the USH1C protein (p.Asp547Gly). This variant is present in population databases (rs776066773, gnomAD 0.008%). This variant has not been reported in the literature in individuals affected with USH1C-related conditions. Algorithms developed to predict the effect of missense changes on protein structure and function are either unavailable or do not agree on the potential impact of this missense change (SIFT: "Tolerated"; PolyPhen-2: "Possibly Damaging"; Align-GVGD: "Class C0"). Algorithms developed to predict the effect of sequence changes on RNA splicing suggest that this variant may create or strengthen a splice site. In summary, the available evidence is currently insufficient to determine the role of this variant in disease. Therefore, it has been classified as a Variant of Uncertain Significance.